The following is an entry in ClinVar:

NM_015895.5(GMNN):c.397C>T (p.Arg133Cys)

Gene: GMNN (geminin DNA replication inhibitor; plus strand). Cytogenetic location: 6p22.3.
Variant type: single nucleotide variant.
Coding change: c.397C>T on transcript NM_015895.5 (MANE Select); coding-DNA position 397, C replaced by T.
Protein change: p.Arg133Cys; replaces arginine 133 with cysteine.
Molecular consequence: missense variant.
Genome position (GRCh38, 1-based): chr6:24,784,483, C>T. VCF-style: chr6-24784483-C-T. GRCh37 (hg19) VCF-style: chr6-24784711-C-T.
Other names: c.397C>T, p.Arg133Cys (NM_001251989.2, NM_001251990.2, NM_001251991.1); c.397C>T (NM_015895.3); short protein forms R133C.
Identifiers: ClinVar variation 809886 (VCV000809886.47), dbSNP rs771371885, ClinGen allele CA3658911.

ClinVar aggregate classification (germline): Conflicting classifications of pathogenicity. Review status: criteria provided, conflicting classifications (1 of 4 stars). 3 submissions from 3 submitters: Uncertain significance (2); Likely benign (1). Last evaluated 2025-10-02.

Conditions:
Inborn genetic diseases. Identifiers: MedGen C0950123, MeSH D030342.

Allele frequency attached by ClinVar (database versions not stated): TOPMed 0.00001; ExAC 0.00002; gnomAD exomes 0.00002; gnomAD 0.00003 and 0.00004.
gnomAD v4.1: 34 of 1,585,572 alleles (0.0021%); highest among the groups gnomAD compares: Middle Eastern, 0.017%; no homozygotes.

Submissions (3):

Labcorp Genetics (formerly Invitae), Labcorp
Classification: Uncertain significance. Last evaluated: 2025-10-02. Review status: criteria provided, single submitter. Criteria: Invitae Variant Classification Sherloc (09022015). Collection method: clinical testing. Allele origin: germline.
Comment: This sequence change replaces arginine, which is basic and polar, with cysteine, which is neutral and slightly polar, at codon 133 of the GMNN protein (p.Arg133Cys). This variant is present in population databases (rs771371885, gnomAD 0.003%). This variant has not been reported in the literature in individuals affected with GMNN-related conditions. ClinVar contains an entry for this variant (Variation ID: 809886). An algorithm developed to predict the effect of missense changes on protein structure and function outputs the following: PolyPhen-2: "Probably Damaging". The cysteine amino acid residue is found in multiple mammalian species, which suggests that this missense change does not adversely affect protein function. In summary, the available evidence is currently insufficient to determine the role of this variant in disease. Therefore, it has been classified as a Variant of Uncertain Significance.

Ambry Genetics
Classification: Uncertain significance for Inborn genetic diseases. Last evaluated: 2021-07-09. Review status: criteria provided, single submitter. Criteria: Ambry Variant Classification Scheme 2023. Collection method: clinical testing. Allele origin: germline.

CeGaT Center for Human Genetics Tuebingen
Classification: Likely benign. Last evaluated: 2018-03-01. Review status: criteria provided, single submitter. Criteria: CeGaT Center For Human Genetics Tuebingen Variant Classification Criteria Version 2. Collection method: clinical testing. Allele origin: germline. Affected: yes. Observed: 1 variant allele.